The following is an entry in ClinVar:

ClinVar aggregate classification (germline): Uncertain significance (1 of 4 stars; one submission).

Allele frequency attached by ClinVar (database versions not stated): gnomAD exomes 0.00001 and 0.00002; ExAC 0.00003.

Submission:

Labcorp Genetics (formerly Invitae), Labcorp
Classification: Uncertain significance. Last evaluated: 2021-08-27. Review status: criteria provided, single submitter. Criteria: Invitae Variant Classification Sherloc (09022015). Collection method: clinical testing. Allele origin: germline.
Comment: In summary, the available evidence is currently insufficient to determine the role of this variant in disease. Therefore, it has been classified as a Variant of Uncertain Significance. Algorithms developed to predict the effect of missense changes on protein structure and function are either unavailable or do not agree on the potential impact of this missense change (SIFT: "Tolerated"; PolyPhen-2: "Possibly Damaging"; Align-GVGD: "Class C0"). This variant has not been reported in the literature in individuals affected with SBF1-related conditions. This variant is present in population databases (rs774901635, ExAC 0.005%). This sequence change replaces arginine with lysine at codon 875 of the SBF1 protein (p.Arg875Lys). The arginine residue is highly conserved and there is a small physicochemical difference between arginine and lysine.

NM_002972.4(SBF1):c.2624G>A (p.Arg875Lys)

Gene: SBF1 (SET binding factor 1; minus strand). Cytogenetic location: 22q13.33.
Variant type: single nucleotide variant.
Coding change: c.2624G>A on transcript NM_002972.4 (MANE Select); coding-DNA position 2624, G replaced by A.
Protein change: p.Arg875Lys; replaces arginine 875 with lysine.
Molecular consequence: missense variant.
Genome position (GRCh38, 1-based): chr22:50,461,815, C>T on the plus strand (G>A on the coding strand, the complement: SBF1 is on the minus strand). VCF-style: chr22-50461815-C-T. GRCh37 (hg19) VCF-style: chr22-50900244-C-T.
Other names: c.2627G>A, p.Arg876Lys (NM_001365819.1); short protein forms R876K, R875K.
Identifiers: ClinVar variation 1467674 (VCV001467674.8), dbSNP rs774901635, ClinGen allele CA10317137.